The following is an entry in ClinVar:

NM_001355436.2(SPTB):c.5319C>T (p.Asp1773=)

Gene: SPTB (spectrin beta, erythrocytic; minus strand). Cytogenetic location: 14q23.3.
Variant type: single nucleotide variant.
Coding change: c.5319C>T on transcript NM_001355436.2 (MANE Select); coding-DNA position 5319, C replaced by T.
Protein change: p.Asp1773=; no amino-acid change (aspartic acid 1773 retained).
Molecular consequence: synonymous variant.
Genome position (GRCh38, 1-based): chr14:64,772,814, G>A on the plus strand (C>T on the coding strand, the complement: SPTB is on the minus strand). VCF-style: chr14-64772814-G-A. GRCh37 (hg19) VCF-style: chr14-65239532-G-A.
Other names: p.Asp1773=; c.5319C>T, p.Asp1773= (NM_001024858.4, NM_001355437.2).
Identifiers: ClinVar variation 313714 (VCV000313714.9), dbSNP rs767020547, ClinGen allele CA7229996.

ClinVar aggregate classification (germline): Likely benign. Review status: criteria provided, multiple submitters, no conflicts (2 of 4 stars). 2 submissions from 2 submitters: Likely benign (2). Last evaluated 2024-12-23.

Allele frequency attached by ClinVar (database versions not stated): ExAC 0.00001; gnomAD 0.00001 and 0.00003; TOPMed 0.00002; gnomAD exomes 0.00003.

Submissions (2):

Mayo Clinic Laboratories, Mayo Clinic
Classification: Likely benign. Last evaluated: 2024-12-23. Review status: criteria provided, single submitter. Criteria: ACMG Guidelines, 2015. Collection method: clinical testing. Allele origin: germline. Observed: 1 variant allele.
Comment: BP4, BP7

Labcorp Genetics (formerly Invitae), Labcorp
Classification: Likely benign. Last evaluated: 2023-10-22. Review status: criteria provided, single submitter. Criteria: Invitae Variant Classification Sherloc (09022015). Collection method: clinical testing. Allele origin: germline.